The following is an entry in ClinVar:

NM_000179.3(MSH6):c.2642G>T (p.Gly881Val)

Gene: MSH6 (mutS homolog 6; plus strand). Cytogenetic location: 2p16.3.
Variant type: single nucleotide variant.
Coding change: c.2642G>T on transcript NM_000179.3 (MANE Select); coding-DNA position 2642, G replaced by T.
Protein change: p.Gly881Val; replaces glycine 881 with valine.
Molecular consequence: missense variant.
Genome position (GRCh38, 1-based): chr2:47,800,625, G>T. VCF-style: chr2-47800625-G-T. GRCh37 (hg19) VCF-style: chr2-48027764-G-T.
Other names: c.2252G>T, p.Gly751Val (NM_001281492.2); c.1736G>T, p.Gly579Val (NM_001281493.2, NM_001281494.2); short protein forms G751V, G579V, G881V.
Identifiers: ClinVar variation 946098 (VCV000946098.13), dbSNP rs1669491241, ClinGen allele CA346755123.

ClinVar aggregate classification (germline): Uncertain significance. Review status: criteria provided, multiple submitters, no conflicts (2 of 4 stars). 3 submissions from 3 submitters: Uncertain significance (3). Last evaluated 2025-05-11.

Conditions:
Hereditary nonpolyposis colorectal neoplasms. Identifiers: MedGen C0009405, MeSH D003123.
Hereditary cancer-predisposing syndrome. Also called: Neoplastic Syndromes, Hereditary; Hereditary Cancer Syndrome; Tumor predisposition; Hereditary neoplastic syndrome. Identifiers: Orphanet 140162, MedGen C0027672, MeSH D009386, MONDO:0015356.
Endometrial carcinoma. Also called: Endometrial carcinoma, somatic. Identifiers: MedGen C0476089, MONDO:0002447, OMIM 608089, HP:0012114.
Lynch syndrome 5 (LYNCH5). Also called: Colorectal cancer, hereditary nonpolyposis, type 5; Hereditary non-polyposis colorectal cancer, type 5. Identifiers: Orphanet 144, MedGen C1833477, MONDO:0013710, OMIM 614350. Disease mechanism: loss of function.
Mismatch repair cancer syndrome 3. Identifiers: MedGen C5436807, MONDO:0030841, OMIM 619097.

Submissions (3):

Labcorp Genetics (formerly Invitae), Labcorp
Classification: Uncertain significance for Hereditary nonpolyposis colorectal neoplasms. Last evaluated: 2025-05-11. Review status: criteria provided, single submitter. Criteria: Invitae Variant Classification Sherloc (09022015). Collection method: clinical testing. Allele origin: germline.
Comment: This sequence change replaces glycine, which is neutral and non-polar, with valine, which is neutral and non-polar, at codon 881 of the MSH6 protein (p.Gly881Val). This variant is not present in population databases (gnomAD no frequency). This variant has not been reported in the literature in individuals affected with MSH6-related conditions. ClinVar contains an entry for this variant (Variation ID: 946098). Invitae Evidence Modeling of protein sequence and biophysical properties (such as structural, functional, and spatial information, amino acid conservation, physicochemical variation, residue mobility, and thermodynamic stability) indicates that this missense variant is not expected to disrupt MSH6 protein function with a negative predictive value of 95%. In summary, the available evidence is currently insufficient to determine the role of this variant in disease. Therefore, it has been classified as a Variant of Uncertain Significance.

Fulgent Genetics
Classification: Uncertain significance for Endometrial carcinoma; Lynch syndrome 5; Mismatch repair cancer syndrome 3. Last evaluated: 2024-04-25. Review status: criteria provided, single submitter. Criteria: ACMG Guidelines, 2015. Collection method: clinical testing. Allele origin: germline.

Ambry Genetics
Classification: Uncertain significance for Hereditary cancer-predisposing syndrome. Last evaluated: 2022-07-18. Review status: criteria provided, single submitter. Criteria: Ambry Variant Classification Scheme 2023. Collection method: clinical testing. Allele origin: germline.
Comment: The p.G881V variant (also known as c.2642G>T), located in coding exon 4 of the MSH6 gene, results from a G to T substitution at nucleotide position 2642. The glycine at codon 881 is replaced by valine, an amino acid with dissimilar properties. This amino acid position is poorly conserved in available vertebrate species. In addition, this alteration is predicted to be tolerated by in silico analysis. Since supporting evidence is limited at this time, the clinical significance of this alteration remains unclear.